The following is an entry in ClinVar:

ClinVar aggregate classification (germline): Uncertain significance (1 of 4 stars; one submission).

Allele frequency attached by ClinVar (database versions not stated): ExAC 0.00001; gnomAD 0.00001; 1000 Genomes Project 30x 0.00016; 1000 Genomes Project 0.00020.
gnomAD v4.1: 3 of 1,608,406 alleles (0.00019%); highest among the groups gnomAD compares: South Asian, 0.0033%; no homozygotes.

Submission:

Labcorp Genetics (formerly Invitae), Labcorp
Classification: Uncertain significance. Last evaluated: 2022-08-21. Review status: criteria provided, single submitter. Criteria: Invitae Variant Classification Sherloc (09022015). Collection method: clinical testing. Allele origin: germline.
Comment: Algorithms developed to predict the effect of missense changes on protein structure and function are either unavailable or do not agree on the potential impact of this missense change (SIFT: "Tolerated"; PolyPhen-2: "Possibly Damaging"; Align-GVGD: "Class C0"). In summary, the available evidence is currently insufficient to determine the role of this variant in disease. Therefore, it has been classified as a Variant of Uncertain Significance. This variant has not been reported in the literature in individuals affected with AP3D1-related conditions. This variant is present in population databases (rs572898613, gnomAD 0.003%). This sequence change replaces phenylalanine, which is neutral and non-polar, with leucine, which is neutral and non-polar, at codon 645 of the AP3D1 protein (p.Phe645Leu).

NM_001261826.3(AP3D1):c.1935C>G (p.Phe645Leu)

Gene: AP3D1 (adaptor related protein complex 3 subunit delta 1; minus strand). Cytogenetic location: 19p13.3.
Variant type: single nucleotide variant.
Coding change: c.1935C>G on transcript NM_001261826.3 (MANE Select); coding-DNA position 1935, C replaced by G.
Protein change: p.Phe645Leu; replaces phenylalanine 645 with leucine.
Molecular consequence: missense variant.
Genome position (GRCh38, 1-based): chr19:2,116,671, G>C on the plus strand (C>G on the coding strand, the complement: AP3D1 is on the minus strand). VCF-style: chr19-2116671-G-C. GRCh37 (hg19) VCF-style: chr19-2116670-G-C.
Other names: c.1935C>G, p.Phe645Leu (NM_001374799.1, NM_003938.8); short protein forms F645L.
Identifiers: ClinVar variation 1715863 (VCV001715863.5), dbSNP rs572898613, ClinGen allele CA9059119.
Genomic context (GRCh38, chr19:2,116,671, plus strand): 5'-CAGCTCTTCCTCGTCCGCCTCCGACGGCCGGTGCTTGGGACGCCGCTGCTCCTCCTCGTG[G>C]AAGACGGCCCTGGGCCTCTCGTCCTCTGACTCGCTGTCCGAGAGTGGCTCATTGATCCAG-3'
Protein context (NP_001248755.1, residues 635-655): ESEDERPRAV[Phe645Leu]HEEEQRRPKH